The following is an entry in ClinVar:

ClinVar aggregate classification (germline): Conflicting classifications of pathogenicity. Review status: criteria provided, conflicting classifications (1 of 4 stars). 8 submissions from 8 submitters: Pathogenic (5); Uncertain significance (1). 2 of the submissions do not count toward it. Last evaluated 2024-08-27.

Conditions:
Cardiovascular phenotype. Identifiers: MedGen CN230736.
Cardiomyopathy (CMYO). Also called: Cardiomyopathies. Identifiers: Orphanet 167848, MedGen C0878544, MONDO:0004994, HP:0001638. Inheritance: Various modes of inheritance.
MYH7-related skeletal myopathy. Also called: MYOPATHY, DISTAL, EARLY-ONSET, AUTOSOMAL DOMINANT; MYOPATHY, LATE DISTAL HEREDITARY; Laing distal myopathy; Laing early-onset distal myopathy; Myopathy, distal, 1. Identifiers: Orphanet 59135, MedGen C4552004, MONDO:0008050, OMIM 160500.
Congenital myopathy with fiber type disproportion. Also called: Congenital fiber-type disproportion myopathy; Congenital fiber-type disproportion. Identifiers: Orphanet 2020, MedGen C0546264, MONDO:0009711. Inheritance: all.
Hypertrophic cardiomyopathy. Also called: HYPERTROPHIC MYOCARDIOPATHY. Identifiers: Orphanet 217569, MedGen C0007194, MeSH D002312, MONDO:0005045, HP:0001639.

Submissions (8):

Labcorp Genetics (formerly Invitae), Labcorp
Classification: Pathogenic for Hypertrophic cardiomyopathy. Last evaluated: 2024-08-27. Review status: criteria provided, single submitter. Criteria: Invitae Variant Classification Sherloc (09022015). Collection method: clinical testing. Allele origin: germline.
Comment: This variant, c.5186_5188del, results in the deletion of 1 amino acid(s) of the MYH7 protein (p.Lys1729del), but otherwise preserves the integrity of the reading frame. This variant is not present in population databases (gnomAD no frequency). This variant has been observed in individual(s) with Laing distal myopathy in several large families and is considered a founder mutation among individuals of Mediterranean ancestry (PMID: 12975303, 15322983, 20733148, 21395566, 25574480). It is commonly reported in individuals of Mediterranean ancestry (PMID: 12975303, 15322983, 20733148, 21395566, 25574480). ClinVar contains an entry for this variant (Variation ID: 42096). For these reasons, this variant has been classified as Pathogenic.

Color Diagnostics, LLC DBA Color Health
Classification: Uncertain significance for Cardiomyopathy. Last evaluated: 2023-02-02. Review status: criteria provided, single submitter. Criteria: ACMG Guidelines, 2015. Collection method: clinical testing. Allele origin: germline.
Comment: This variant causes a deletion of lysine at codon 1729 in C-terminal tail region of the MYH7 protein. A functional study in Drosophila has shown that this variant affects muscle structure and function performance (PMID: 29946036). This variant has been reported to segregate with Laing distal myopathy in six unrelated families (PMID: 12975303, 15322983, 20733148, 25574480). Among these individuals, dilated cardiomyopathy was observed in two related family members (PMID: 12975303). Five individuals from another family showed other cardiac abnormalities (PMID: 20733148). This variant has also been reported in individuals who experienced cardiac arrest, as well as in individuals with normal cardiac assessment (PMID: 30874888). Additionally, it has been reported in an individual with a complex neurodevelopmental phenotype also affected with dilated cardiomyopathy (PMID: 32860008). This variant has not been identified in the general population by the Genome Aggregation Database (gnomAD). Although this variant is pathogenic for Laing distal myopathy, the available evidence is insufficient to determine the role of this variant in cardiomyopathy conclusively. Therefore, this variant is classified as a Variant of Uncertain Significance.

3billion
Classification: Pathogenic for MYH7-related skeletal myopathy. Last evaluated: 2022-03-22. Review status: criteria provided, single submitter. Criteria: ACMG Guidelines, 2015. Collection method: clinical testing. Allele origin: germline. Affected: yes. Observed: 1 heterozygote.
Comment: Inframe deletion located in a nonrepeat region: predicted to change the length of the protein and disrupt normal protein function. The variant has been observed in multiple (>3) similarly affected unrelated individuals (PMID: 15322983, 20733148, 21395566, 25574480). It has been reported to co-segregate with the disease in at least 5 similarly affected relatives/individuals in the same family or similarly affected unrelated families (PMID: 25574480). The variant has been reported at least twice as pathogenic/likely pathogenic with clinical assertions and evidence for the classification (ClinVar ID: VCV000042096). It is not observed in the gnomAD v2.1.1 dataset. Therefore, this variant is classified as pathogenic according to the recommendation of ACMG/AMP guideline.

Laboratory for Molecular Medicine, Mass General Brigham Personalized Medicine
Classification: Pathogenic for MYH7-related skeletal myopathy. Last evaluated: 2020-09-02. Review status: criteria provided, single submitter. Criteria: LMM Criteria. Collection method: clinical testing. Allele origin: germline. Inheritance: Autosomal dominant inheritance. Observed: 1 variant allele.
Comment: The p.Lys1729del variant has been reported in multiple individuals with Laing distal myopathy and has been shown to segregate with disease in >10 affected family members from at least 3 families (Hedera 2003 PMID:12975303, Meredith 2004 PMID:15322983, Muelas 2010 PMID:20733148, Muelas 2012 PMID:21395566, Roda 2014 PMID:25574480, Petri 2019 PMID:30874888). It is considered to be a founder variant in individuals from the Safor region of Spain (Muelas 2012 PMID:21395566). This variant has also been reported by other clinical laboratories in ClinVar (Variation ID: 42096) and was absent from large population studies. The p.Lys1729del variant has not been reported in individuals with isolated cardiomyopathy; however, a range of cardiac phenotypes, including dilated cardiomyopathy, were noted in some affected individuals with myopathy (Hedera 2003 PMID:12975303, Muelas 2010 PMID:20733148, Roda 2014 PMID:25574480). Typically, small deletions and amino acid changes to proline located in the 3' end of MYH7 (exons 34-36) have been associated with Laing distal myopathy (Meredith 2004) whereas variants in other domains of the protein are causative of hypertrophic (HCM) and dilated cardiomyopathies (DCM); however, about one third of patients with Laing myopathy develop HCM or DCM (Lamont and Laing, 2015, GeneReviews). This variant is a deletion of 1 amino acid at position 1729 and is not predicted to alter the protein reading-frame. Functional studies in Drosophila support an impact on protein function as it was shown that this variant results in abnormal muscle structure and function (Dahl-Halverson 2018 PMID: 29946036). In summary, this variant meets criteria to be classified as pathogenic for autosomal dominant Laing distal myopathy, but there is insufficient evidence to determine if the phenotypic spectrum also includes cardiomyopathy or other cardiac phenotypes. ACMG/AMP criteria applied: PS4, PP1_Strong, PM2, PS3_Moderate, PM4_Supporting.

Ambry Genetics
Classification: Pathogenic for Cardiovascular phenotype. Last evaluated: 2020-07-20. Review status: criteria provided, single submitter. Criteria: Ambry Variant Classification Scheme 2023. Collection method: clinical testing. Allele origin: germline.
Comment: The c.5186_5188delAGA variant (also known as p.K1729del) is located in coding exon 34 of the MYH7 gene. This variant results from an in-frame AGA deletion at nucleotide positions 5186 to 5188. This results in the in-frame deletion of a lysine at codon 1729. This variant has been reported to be a Mediterranean founder mutation (Muelas N et al. Clin. Genet., 2012 May;81:491-4). In addition, this variant has been detected in multiple individuals and segregates with Laing distal myopathy in multiple unrelated families (Muelas N et al. Clin. Genet., 2012 May;81:491-4; Muelas N et al. Neurology, 2010 Aug;75:732-41; Hedera P et al. Arch. Neurol., 2003 Sep;60:1321-5; Roda RH et al. Ann Clin Transl Neurol, 2014 Dec;1:1053-8; Meredith C et al. Am. J. Hum. Genet., 2004 Oct;75:703-8). This variant has also been detected in a family with variable cardiac findings (Petri H et al. J. Neurol., 2019 Jun;266:1367-1375). Based on the supporting evidence, this alteration is interpreted as a disease-causing mutation.

CENTOGENE GmbH and LLC - Guiding Precision Medicine
Classification: Pathogenic for MYH7-related skeletal myopathy. Review status: criteria provided, single submitter. Criteria: ACMG Guidelines, 2015. Collection method: clinical testing. Allele origin: germline. Affected: yes.

OMIM
Classification: Pathogenic for LAING DISTAL MYOPATHY. Last evaluated: 2012-05-01. Review status: no assertion criteria provided. Collection method: literature only. Allele origin: germline. Not counted in ClinVar's aggregate classification.

GeneReviews
No classification provided. Condition: Congenital myopathy with fiber type disproportion. Review status: no classification provided. Collection method: literature only. Allele origin: unknown. Not counted in ClinVar's aggregate classification.

Literature cited by the submitters: PubMed 12975303 (cited by 5 submitters); PubMed 15322983 (cited by 6 submitters); PubMed 20733148 (cited by 7 submitters); PubMed 21395566 (cited by 5 submitters); PubMed 25574480 (cited by 5 submitters); PubMed 29946036 (cited by Color Diagnostics, LLC DBA Color Health); PubMed 30874888 (cited by 3 submitters); PubMed 32860008 (cited by Color Diagnostics, LLC DBA Color Health and CENTOGENE GmbH and LLC - Guiding Precision Medicine); PubMed 20301436 (cited by GeneReviews); NCBI Bookshelf NBK1259 (cited by GeneReviews).

NM_000257.4(MYH7):c.5177AGA[3] (p.Lys1729del)

Genes: MHRT (myosin heavy chain associated RNA transcript; plus strand), MYH7 (myosin heavy chain 7; minus strand), LOC126861897 (BRD4-independent group 4 enhancer GRCh37_chr14:23884455-23885654; plus strand). Cytogenetic location: 14q11.2.
Variant type: Microsatellite.
Coding change: c.5177AGA[3] on transcript NM_000257.4 (MANE Select); three copies in a row of the 3-base unit AGA starting at c.5177; the reference has four copies in a row; one copy, 3 bases deleted; also written c.5186_5188del.
Protein change: p.Lys1729del; deletes lysine 1729.
Molecular consequence: inframe deletion. On other transcripts: non-coding transcript variant (1).
Genome position (GRCh38, 1-based): chr14:23,415,476-23,415,478, TCT deleted on the plus strand (AGA on the coding strand, the reverse complement: MYH7 is on the minus strand); deleting any 3 consecutive bases within chr14:23,415,476-23,415,487 gives the same sequence; the position shown is the placement nearest the transcript's 3' end. VCF-style (leftmost placement, unchanged base first): chr14-23415475-ATCT-A. GRCh37 (hg19) VCF-style: chr14-23884684-ATCT-A.
Other names: c.5186_5188del (NM_000257.4, NM_000257.3); c.5186_5188delAGA (NM_000257.4); short protein forms K1729del.
Identifiers: ClinVar variation 42096 (VCV000042096.21), dbSNP rs367543052, ClinGen allele CA015751.